The following is an entry in ClinVar:

NM_004004.6(GJB2):c.495dup (p.Leu166fs)

Gene: GJB2 (gap junction protein beta 2; minus strand). Cytogenetic location: 13q12.11.
Variant type: Duplication.
Coding change: c.495dup on transcript NM_004004.6 (MANE Select); coding-DNA position 495, one base duplicated (G; older notation c.495dupG).
Protein change: p.Leu166fs; shifts the reading frame from leucine 166.
Molecular consequence: frameshift variant.
Genome position (GRCh38, 1-based): chr13:20,189,087, C duplicated on the plus strand (G on the coding strand, the reverse complement: GJB2 is on the minus strand); the first of 2 consecutive C bases (chr13:20,189,087-20,189,088); duplicating either gives the same sequence. VCF-style (leftmost placement, unchanged base first): chr13-20189086-G-GC. GRCh37 (hg19) VCF-style: chr13-20763225-G-GC.
Other names: c.493_494insG (NM_004004.6); short protein forms L166fs.
Identifiers: ClinVar variation 4856983 (VCV004856983.1).

ClinVar aggregate classification (germline): Pathogenic (1 of 4 stars; one submission).

Conditions:
Autosomal recessive nonsyndromic hearing loss 1A (DFNB1A). Also called: Connexin 26 deafness; Deafness nonsyndromic, Connexin 26 linked; GJB6-Related DFNB 1 Nonsyndromic Hearing Loss and Deafness; Deafness, autosomal recessive 1A; Nonsyndromic Hearing Loss and Deafness, DFNB1; GJB2-Related Autosomal Recessive Nonsyndromic Hearing Loss. Identifiers: Orphanet 90636, MedGen C2673759, MONDO:0009076, OMIM 220290.

Submission:

Department of Otorhinolaryngology, Head and Neck Surgery, Xinhua Hospital, Shanghai Jiao Tong University School of Medicine
Classification: Pathogenic for Autosomal recessive nonsyndromic hearing loss 1A. Last evaluated: 2026-06-07. Review status: criteria provided, single submitter. Criteria: ACMG Guidelines, 2015. Collection method: clinical testing. Allele origin: germline. Affected: yes.
Comment: PVS1_Strong + PM2